The following is an entry in ClinVar:

NM_001282531.3(ADNP):c.1540T>C (p.Cys514Arg)

Gene: ADNP (activity dependent neuroprotector homeobox; minus strand). Cytogenetic location: 20q13.13.
Variant type: single nucleotide variant.
Coding change: c.1540T>C on transcript NM_001282531.3 (MANE Select); coding-DNA position 1540, T replaced by C.
Protein change: p.Cys514Arg; replaces cysteine 514 with arginine.
Molecular consequence: missense variant.
Genome position (GRCh38, 1-based): chr20:50,893,174, A>G on the plus strand (T>C on the coding strand, the complement: ADNP is on the minus strand). VCF-style: chr20-50893174-A-G. GRCh37 (hg19) VCF-style: chr20-49509711-A-G.
Other names: c.1540T>C, p.Cys514Arg (NM_001282532.2, NM_001347511.2, NM_015339.5 and 1 more transcripts); c.1756T>C, p.Cys586Arg (NM_001439000.1); c.856T>C, p.Cys286Arg (NM_001439001.1); short protein forms C586R, C286R, C514R.
Identifiers: ClinVar variation 4087949 (VCV004087949.1).

ClinVar aggregate classification (germline): Uncertain significance (1 of 4 stars; one submission).

Submission:

GeneDx
Classification: Uncertain significance. Last evaluated: 2025-03-26. Review status: criteria provided, single submitter. Criteria: GeneDx Variant Classification Process June 2021. Collection method: clinical testing. Allele origin: germline. Affected: yes.
Comment: Not observed at significant frequency in large population cohorts (gnomAD); In silico analysis supports that this missense variant has a deleterious effect on protein structure/function; Has not been previously published as pathogenic or benign to our knowledge